The following is an entry in ClinVar:

NM_000238.4(KCNH2):c.221_251dup (p.Gln84fs)

Gene: KCNH2 (potassium voltage-gated channel subfamily H member 2; minus strand). Cytogenetic location: 7q36.1.
Variant type: Duplication.
Coding change: c.221_251dup on transcript NM_000238.4 (MANE Select); coding-DNA positions 221 to 251, 31 bases duplicated.
Protein change: p.Gln84fs; shifts the reading frame from glutamine 84.
Molecular consequence: frameshift variant. On other transcripts: non-coding transcript variant (1).
Genome position (GRCh38, 1-based): chr7:150,974,767-150,974,797, 31 bases duplicated; duplicating any 31 consecutive bases within chr7:150,974,767-150,974,803 gives the same sequence; the c. name uses the placement nearest the transcript's 3' end. GRCh37 (hg19): chr7:150,671,861-150,671,891.
Other names: c.44_74dup, p.Gln25fs (NM_001406755.1); c.221_251dup, p.Gln84fs (NM_172056.3); short protein forms Q25fs, Q84fs.
Identifiers: ClinVar variation 4681926 (VCV004681926.6).
Genomic context (GRCh38, chr7:150,974,766, plus strand): 5'-CCTACCATCTTTCCGGTAGAAGGCGATTTCCACTTTGCGCTCCTCGGCGCCCAGCAGTGC[C>CTGCGCGATCTGCGCGGCAGCGCGGCGCTGCG]TGCGCGATCTGCGCGGCAGCGCGGCGCTGCGTGCGCGGCCCGTGCAGGAAGTCGCAGGTG-3'

ClinVar aggregate classification (germline): Pathogenic/Likely pathogenic. Review status: criteria provided, multiple submitters, no conflicts (2 of 4 stars). 2 submissions from 2 submitters: Pathogenic (1); Likely pathogenic (1). Last evaluated 2026-02-12.

Conditions:
Long QT syndrome (LQTS). Identifiers: MedGen C0023976, MeSH D008133, MONDO:0002442. Disease mechanism: loss of function. Inheritance: Various modes of inheritance.

Submissions (2):

Institute of Human Genetics, FAU Erlangen, Friedrich-Alexander-Universität Erlangen-Nürnberg
Classification: Likely pathogenic for Long QT syndrome. Last evaluated: 2026-02-12. Review status: criteria provided, single submitter. Criteria: Hauer et al. (Genet Med. 2018). Collection method: clinical testing. Allele origin: germline. Inheritance: Unknown mechanism. Affected: yes. Observed: 1 variant allele.
Comment: This variant has been identified by standard clinical testing. Selected ACMG criteria: Pathogenic (I):PP5;PM2;PVS1

CeGaT Center for Human Genetics Tuebingen
Classification: Pathogenic. Last evaluated: 2025-12-01. Review status: criteria provided, single submitter. Criteria: CeGaT Center For Human Genetics Tuebingen Variant Classification Criteria Version 2. Collection method: clinical testing. Allele origin: germline. Affected: yes. Observed: 1 variant allele.
Comment: KCNH2: PVS1, PM2